The following is an entry in ClinVar:

ClinVar aggregate classification (germline): Uncertain significance (1 of 4 stars; one submission).

gnomAD v4.1: 2 of 1,611,564 alleles (0.00012%); highest among the groups gnomAD compares: Non-Finnish European, 0.00017%; no homozygotes.

Submission:

Labcorp Genetics (formerly Invitae), Labcorp
Classification: Uncertain significance. Last evaluated: 2025-12-10. Review status: criteria provided, single submitter. Criteria: Invitae Variant Classification Sherloc (09022015). Collection method: clinical testing. Allele origin: germline.
Comment: This sequence change replaces isoleucine, which is neutral and non-polar, with leucine, which is neutral and non-polar, at codon 228 of the HNF4A protein (p.Ile228Leu). This variant is present in population databases (no rsID available, gnomAD 0.0009%). This variant has not been reported in the literature in individuals affected with HNF4A-related conditions. Invitae Evidence Modeling of protein sequence and biophysical properties (such as structural, functional, and spatial information, amino acid conservation, physicochemical variation, residue mobility, and thermodynamic stability) has been performed for this missense variant. However, the output from this modeling did not meet the statistical confidence thresholds required to predict the impact of this variant on HNF4A protein function. In summary, the available evidence is currently insufficient to determine the role of this variant in disease. Therefore, it has been classified as a Variant of Uncertain Significance.

NM_175914.5(HNF4A):c.682A>C (p.Ile228Leu)

Gene: HNF4A (hepatocyte nuclear factor 4 alpha; plus strand). Cytogenetic location: 20q13.12.
Variant type: single nucleotide variant.
Coding change: c.682A>C on transcript NM_175914.5 (MANE Select); coding-DNA position 682, A replaced by C.
Protein change: p.Ile228Leu; replaces isoleucine 228 with leucine.
Molecular consequence: missense variant.
Genome position (GRCh38, 1-based): chr20:44,419,732, A>C. VCF-style: chr20-44419732-A-C. GRCh37 (hg19) VCF-style: chr20-43048372-A-C.
Other names: c.748A>C, p.Ile250Leu (NM_000457.6, NM_178849.3, NM_178850.3); c.682A>C, p.Ile228Leu (NM_001030003.3, NM_001030004.3); c.727A>C, p.Ile243Leu (NM_001258355.2); c.673A>C, p.Ile225Leu (NM_001287182.2, NM_001287183.2, NM_001287184.2); short protein forms I228L, I225L, I250L, I243L.
Identifiers: ClinVar variation 4697270 (VCV004697270.1).